The following is an entry in ClinVar:

ClinVar aggregate classification (germline): Conflicting classifications of pathogenicity. Review status: criteria provided, conflicting classifications (1 of 4 stars). 4 submissions from 4 submitters: Uncertain significance (1); Benign (2). 1 of the submissions does not count toward it. Last evaluated 2026-01-24.

Conditions:
ACAN-related disorder. Also called: ACAN-related condition; ACAN-related disorders.

Allele frequency attached by ClinVar (database versions not stated): ESP Exome Variant Server 0.00008; gnomAD 0.00027 and 0.00042; TOPMed 0.00059; gnomAD exomes 0.00077; ExAC 0.00156; 1000 Genomes Project 30x 0.00187; 1000 Genomes Project 0.00200.
gnomAD v4.1: 805 of 1,576,526 alleles (0.051%); highest among the groups gnomAD compares: East Asian, 1.1%; 5 homozygotes.

Submissions (4):

Labcorp Genetics (formerly Invitae), Labcorp
Classification: Benign. Last evaluated: 2026-01-24. Review status: criteria provided, single submitter. Criteria: Invitae Variant Classification Sherloc (09022015). Collection method: clinical testing. Allele origin: germline.

Women's Health and Genetics/Laboratory Corporation of America, LabCorp
Classification: Benign. Last evaluated: 2025-01-22. Review status: criteria provided, single submitter. Criteria: LabCorp Variant Classification Summary - May 2015. Collection method: clinical testing. Allele origin: germline.
Comment: Variant summary: ACAN c.1504C>T (p.Arg502Cys) results in a non-conservative amino acid change in the encoded protein sequence. Three of five in-silico tools predict a damaging effect of the variant on protein function. The variant allele was found at a frequency of 0.00051 in 1576526 control chromosomes, predominantly at a frequency of 0.011 within the East Asian subpopulation in the gnomAD database, including 3 homozygotes. To our knowledge, no occurrence of c.1504C>T in individuals affected with ACAN-Related Disorders and no experimental evidence demonstrating its impact on protein function have been reported. ClinVar contains an entry for this variant (Variation ID: 713144). Based on the evidence outlined above, the variant was classified as benign.

Blueprint Genetics
Classification: Uncertain significance. Last evaluated: 2024-10-08. Review status: criteria provided, single submitter. Criteria: ACMG Guidelines, 2015. Collection method: clinical testing. Allele origin: germline.

PreventionGenetics, part of Exact Sciences
Classification: Benign for ACAN-related condition. Last evaluated: 2020-06-22. Review status: no assertion criteria provided. Collection method: clinical testing. Allele origin: germline. Not counted in ClinVar's aggregate classification.
Comment: This variant is classified as benign based on ACMG/AMP sequence variant interpretation guidelines (Richards et al. 2015 PMID: 25741868, with internal and published modifications).

NM_001369268.1(ACAN):c.1504C>T (p.Arg502Cys)

Gene: ACAN (aggrecan; plus strand). Cytogenetic location: 15q26.1.
Variant type: single nucleotide variant.
Coding change: c.1504C>T on transcript NM_001369268.1 (MANE Select); coding-DNA position 1504, C replaced by T.
Protein change: p.Arg502Cys; replaces arginine 502 with cysteine.
Molecular consequence: missense variant.
Genome position (GRCh38, 1-based): chr15:88,847,317, C>T. VCF-style: chr15-88847317-C-T. GRCh37 (hg19) VCF-style: chr15-89390548-C-T.
Other names: c.1504C>T, p.Arg502Cys (NM_001135.4, NM_013227.4); short protein forms R502C.
Identifiers: ClinVar variation 713144 (VCV000713144.15), dbSNP rs149841431, ClinGen allele CA7719569.